The following is an entry in ClinVar:

NM_000089.4(COL1A2):c.739G>C (p.Gly247Arg)

Gene: COL1A2 (collagen type I alpha 2 chain; plus strand). Cytogenetic location: 7q21.3.
Variant type: single nucleotide variant.
Coding change: c.739G>C on transcript NM_000089.4 (MANE Select); coding-DNA position 739, G replaced by C.
Protein change: p.Gly247Arg; replaces glycine 247 with arginine.
Molecular consequence: missense variant.
Genome position (GRCh38, 1-based): chr7:94,408,770, G>C. VCF-style: chr7-94408770-G-C. GRCh37 (hg19) VCF-style: chr7-94038082-G-C.
Other names: short protein forms G247R.
Identifiers: ClinVar variation 2925405 (VCV002925405.3), dbSNP rs1064794058, ClinGen allele CA368220430.

ClinVar aggregate classification (germline): Pathogenic (1 of 4 stars; one submission).

Conditions:
Osteogenesis imperfecta type I (OI1). Also called: Lobstein disease; OI, TYPE I; OSTEOGENESIS IMPERFECTA TARDA; OSTEOGENESIS IMPERFECTA WITH BLUE SCLERAE; Osteogenesis imperfecta type 1; Lobstein's Disease. Identifiers: Orphanet 216796, Orphanet 666, MedGen C0023931, MONDO:0008146, OMIM 166200. Disease mechanism: loss of function.
Ehlers-Danlos syndrome, classic type, 1 (EDSCL1). Also called: EDS I; EHLERS-DANLOS SYNDROME, GRAVIS TYPE; EHLERS-DANLOS SYNDROME, SEVERE CLASSIC TYPE; Ehlers-Danlos syndrome, type 1; Ehlers-Danlos Syndrome, Classic Type, COL5A1-Related. Identifiers: MedGen C0268335, MONDO:0019567, OMIM 130000.

Submission:

Labcorp Genetics (formerly Invitae), Labcorp
Classification: Pathogenic for Osteogenesis imperfecta type I; Ehlers-Danlos syndrome, classic type, 1. Last evaluated: 2023-03-25. Review status: criteria provided, single submitter. Criteria: Invitae Variant Classification Sherloc (09022015). Collection method: clinical testing. Allele origin: germline.
Comment: This sequence change replaces glycine, which is neutral and non-polar, with arginine, which is basic and polar, at codon 247 of the COL1A2 protein (p.Gly247Arg). This variant is not present in population databases (gnomAD no frequency). This missense change has been observed in individual(s) with osteogenesis imperfecta (PMID: 16786509, 31429852). Experimental studies and prediction algorithms are not available or were not evaluated, and the functional significance of this variant is currently unknown. This variant disrupts the triple helix domain of COL1A2. Glycine residues within the Gly-Xaa-Yaa repeats of the triple helix domain are required for the structure and stability of fibrillar collagens (PMID: 7695699, 8218237, 19344236). In COL1A2, variants affecting these glycine residues are significantly enriched in individuals with disease (PMID: 9016532, 17078022) compared to the general population (ExAC). For these reasons, this variant has been classified as Pathogenic.

Literature cited by the submitters: PubMed 16786509; PubMed 31429852; PubMed 7695699; PubMed 8218237; PubMed 19344236; PubMed 9016532; PubMed 17078022.